The following is an entry in ClinVar:

NM_000051.4(ATM):c.5761A>G (p.Arg1921Gly)

Gene: ATM (ATM serine/threonine kinase; plus strand). Cytogenetic location: 11q22.3.
Variant type: single nucleotide variant.
Coding change: c.5761A>G on transcript NM_000051.4 (MANE Select); coding-DNA position 5761, A replaced by G.
Protein change: p.Arg1921Gly; replaces arginine 1921 with glycine.
Molecular consequence: missense variant.
Genome position (GRCh38, 1-based): chr11:108,307,983, A>G. VCF-style: chr11-108307983-A-G. GRCh37 (hg19) VCF-style: chr11-108178710-A-G.
Other names: c.5761A>G, p.Arg1921Gly (NM_001351834.2); short protein forms R1921G.
Identifiers: ClinVar variation 407453 (VCV000407453.19), dbSNP rs1060501527, ClinGen allele CA16613452.

ClinVar aggregate classification (germline): Uncertain significance. Review status: criteria provided, multiple submitters, no conflicts (2 of 4 stars). 4 submissions from 4 submitters: Uncertain significance (4). Last evaluated 2025-10-25.

Conditions:
Hereditary cancer-predisposing syndrome. Also called: Hereditary neoplastic syndrome; Neoplastic Syndromes, Hereditary; Tumor predisposition; Hereditary Cancer Syndrome. Identifiers: Orphanet 140162, MedGen C0027672, MeSH D009386, MONDO:0015356.
Ataxia-telangiectasia syndrome (AT). Also called: Ataxia telangiectasia (A-T); LOUIS-BAR SYNDROME; Cerebello-oculocutaneous telangiectasia; Immunodeficiency with ataxia telangiectasia; Ataxia-telangiectasia, complementation group D; AT, COMPLEMENTATION GROUP C. Identifiers: Orphanet 100, MedGen C0004135, MONDO:0008840, OMIM 208900.

Allele frequency attached by ClinVar (database versions not stated): TOPMed 0.00002.

Submissions (4):

Labcorp Genetics (formerly Invitae), Labcorp
Classification: Uncertain significance for Ataxia-telangiectasia syndrome. Last evaluated: 2025-10-25. Review status: criteria provided, single submitter. Criteria: Invitae Variant Classification Sherloc (09022015). Collection method: clinical testing. Allele origin: germline.
Comment: This sequence change replaces arginine, which is basic and polar, with glycine, which is neutral and non-polar, at codon 1921 of the ATM protein (p.Arg1921Gly). This variant is not present in population databases (gnomAD no frequency). This missense change has been observed in individual(s) with breast cancer (PMID: 35264596, 35980532). ClinVar contains an entry for this variant (Variation ID: 407453). An algorithm developed to predict the effect of missense changes on protein structure and function (PolyPhen-2) suggests that this variant is likely to be disruptive. Algorithms developed to predict the effect of sequence changes on RNA splicing suggest that this variant may disrupt the consensus splice site. In summary, the available evidence is currently insufficient to determine the role of this variant in disease. Therefore, it has been classified as a Variant of Uncertain Significance.

Ambry Genetics
Classification: Uncertain significance for Hereditary cancer-predisposing syndrome. Last evaluated: 2023-12-11. Review status: criteria provided, single submitter. Criteria: Ambry Variant Classification Scheme 2023. Collection method: clinical testing. Allele origin: germline.
Comment: The p.R1921G variant (also known as c.5761A>G), located in coding exon 37 of the ATM gene, results from an A to G substitution at nucleotide position 5761. The arginine at codon 1921 is replaced by glycine, an amino acid with dissimilar properties. This amino acid position is well conserved in available vertebrate species. In addition, the in silico prediction for this alteration is inconclusive. Since supporting evidence is limited at this time, the clinical significance of this alteration remains unclear.

Color Diagnostics, LLC DBA Color Health
Classification: Uncertain significance for Hereditary cancer-predisposing syndrome. Last evaluated: 2023-02-16. Review status: criteria provided, single submitter. Criteria: ACMG Guidelines, 2015. Collection method: clinical testing. Allele origin: germline.
Comment: This missense variant replaces arginine with glycine at codon 1921 of the ATM protein. Splice site prediction tools predict that this variant may have a significant impact on RNA splicing; however, this prediction has not been confirmed in published RNA studies. Computational prediction is inconclusive regarding the impact of this variant on protein structure and function (internally defined REVEL score threshold 0.5 < inconclusive < 0.7, PMID: 27666373). To our knowledge, functional studies have not been reported for this variant. This variant has not been reported in individuals affected with ATM-related disorders in the literature. This variant has not been identified in the general population by the Genome Aggregation Database (gnomAD). The available evidence is insufficient to determine the role of this variant in disease conclusively. Therefore, this variant is classified as a Variant of Uncertain Significance.

Mendelics
Classification: Uncertain significance for Ataxia-telangiectasia syndrome. Last evaluated: 2018-07-02. Review status: criteria provided, single submitter. Criteria: Mendelics Assertion Criteria 2017. Collection method: clinical testing. Allele origin: unknown.

Literature cited by the submitters: PubMed 35264596 (cited by Labcorp Genetics (formerly Invitae), Labcorp); PubMed 35980532 (cited by Labcorp Genetics (formerly Invitae), Labcorp).